The following is an entry in ClinVar:

NM_012418.4(FSCN2):c.1217G>A (p.Arg406His)

Gene: FSCN2 (fascin actin-bundling protein 2, retinal; plus strand). Cytogenetic location: 17q25.3.
Variant type: single nucleotide variant.
Coding change: c.1217G>A on transcript NM_012418.4 (MANE Select); coding-DNA position 1217, G replaced by A.
Protein change: p.Arg406His; replaces arginine 406 with histidine.
Molecular consequence: missense variant.
Genome position (GRCh38, 1-based): chr17:81,536,733, G>A. VCF-style: chr17-81536733-G-A. GRCh37 (hg19) VCF-style: chr17-79503759-G-A.
Other names: c.1289G>A, p.Arg430His (NM_001077182.3); short protein forms R430H, R406H.
Identifiers: ClinVar variation 963859 (VCV000963859.9), dbSNP rs750102960, ClinGen allele CA401478190.

ClinVar aggregate classification (germline): Uncertain significance (1 of 4 stars; one submission).

gnomAD v4.1: 4 of 1,610,954 alleles (0.00025%); highest among the groups gnomAD compares: South Asian, 0.0033%; no homozygotes.

Submission:

Labcorp Genetics (formerly Invitae), Labcorp
Classification: Uncertain significance. Last evaluated: 2025-08-21. Review status: criteria provided, single submitter. Criteria: Invitae Variant Classification Sherloc (09022015). Collection method: clinical testing. Allele origin: germline.
Comment: This sequence change replaces arginine, which is basic and polar, with histidine, which is basic and polar, at codon 430 of the FSCN2 protein (p.Arg430His). This variant is not present in population databases (gnomAD no frequency). This variant has not been reported in the literature in individuals affected with FSCN2-related conditions. ClinVar contains an entry for this variant (Variation ID: 963859). An algorithm developed to predict the effect of missense changes on protein structure and function (PolyPhen-2) suggests that this variant is likely to be disruptive. In summary, the available evidence is currently insufficient to determine the role of this variant in disease. Therefore, it has been classified as a Variant of Uncertain Significance.